The following is an entry in ClinVar:

ClinVar aggregate classification (germline): Benign. Review status: criteria provided, multiple submitters, no conflicts (2 of 4 stars). 2 submissions from 2 submitters: Benign (2). Last evaluated 2024-07-15.

Allele frequency attached by ClinVar (database versions not stated): TOPMed 0.96905; gnomAD 0.97019 and 0.97220; 1000 Genomes Project 30x 0.97080; ESP Exome Variant Server 0.97144; 1000 Genomes Project 0.97224; ExAC 0.99171; gnomAD exomes 0.99325 and 0.99766.

Submissions (2):

Unidad de Genómica Garrahan, Hospital de Pediatría Garrahan
Classification: Benign. Last evaluated: 2024-07-15. Review status: criteria provided, single submitter. Criteria: ACMG Guidelines, 2015. Collection method: clinical testing. Allele origin: germline. Affected: no. Observed: 92 variant alleles.
Comment: This variant is classified as Benign based on local population frequency. This variant was detected in 99% of patients studied in a panel designed for Epileptic and Developmental Encephalopathy and Progressive Myoclonus Epilepsy. Number of patients: 92. Only high quality variants are reported.

GeneDx
Classification: Benign. Last evaluated: 2021-03-08. Review status: criteria provided, single submitter. Criteria: GeneDx Variant Classification Process June 2021. Collection method: clinical testing. Allele origin: germline. Affected: yes.

NM_001367561.1(DOCK7):c.2113-38del

Gene: DOCK7 (dedicator of cytokinesis 7; minus strand). Cytogenetic location: 1p31.3.
Variant type: Deletion.
Coding change: c.2113-38del on transcript NM_001367561.1 (MANE Select); 38 bases into the intron before coding-DNA position 2113, one base deleted (C; older notation c.2113-38delC).
Molecular consequence: intron variant.
Genome position (GRCh38, 1-based): chr1:62,561,741, G deleted on the plus strand (C on the coding strand, the reverse complement: DOCK7 is on the minus strand). VCF-style (leftmost placement, unchanged base first): chr1-62561740-AG-A. GRCh37 (hg19) VCF-style: chr1-63027411-AG-A.
Other names: c.2113-38del (NM_001272001.2, NM_001272000.2, NM_033407.4 and 2 more transcripts).
Identifiers: ClinVar variation 1228857 (VCV001228857.5), dbSNP rs5774610, ClinGen allele CA886356.